The following is an entry in ClinVar:

NM_201384.3(PLEC):c.7534G>A (p.Glu2512Lys)

Gene: PLEC (plectin; minus strand). Cytogenetic location: 8q24.3.
Variant type: single nucleotide variant.
Coding change: c.7534G>A on transcript NM_201384.3 (MANE Select); coding-DNA position 7534, G replaced by A.
Protein change: p.Glu2512Lys; replaces glutamic acid 2512 with lysine.
Molecular consequence: missense variant.
Genome position (GRCh38, 1-based): chr8:143,922,287, C>T on the plus strand (G>A on the coding strand, the complement: PLEC is on the minus strand). VCF-style: chr8-143922287-C-T. GRCh37 (hg19) VCF-style: chr8-144996455-C-T.
Other names: c.7615G>A, p.Glu2539Lys (NM_000445.5); c.4234G>A, p.Glu1412Lys (NM_001410941.1); c.7492G>A, p.Glu2498Lys (NM_201378.4); c.7468G>A, p.Glu2490Lys (NM_201379.3); c.7945G>A, p.Glu2649Lys (NM_201380.4); c.7438G>A, p.Glu2480Lys (NM_201381.3); c.7534G>A, p.Glu2512Lys (NM_201382.4); c.7546G>A, p.Glu2516Lys (NM_201383.3); short protein forms E1412K, E2480K, E2490K, E2498K, E2512K, E2516K, E2539K, E2649K.
Identifiers: ClinVar variation 3375427 (VCV003375427.2).

ClinVar aggregate classification (germline): Uncertain significance. Review status: criteria provided, multiple submitters, no conflicts (2 of 4 stars). 2 submissions from 2 submitters: Uncertain significance (2). Last evaluated 2024-09-17.

gnomAD v4.1: 29 of 1,606,582 alleles (0.0018%); highest among the groups gnomAD compares: East Asian, 0.029%; no homozygotes.

Submissions (2):

Women's Health and Genetics/Laboratory Corporation of America, LabCorp
Classification: Uncertain significance. Last evaluated: 2024-09-17. Review status: criteria provided, single submitter. Criteria: LabCorp Variant Classification Summary - May 2015. Collection method: clinical testing. Allele origin: germline.
Comment: Variant summary: PLEC c.7615G>A (p.Glu2539Lys) results in a conservative amino acid change in the encoded protein sequence. Four of five in-silico tools predict a damaging effect of the variant on protein function. The variant allele was found at a frequency of 1.8e-05 in 1599596 control chromosomes, predominantly at a frequency of 0.00029 within the East Asian subpopulation in the gnomAD database (v4.1 dataset). However, the variant was reported in some East Asian subpopulations with an even higher allele frequency, e.g. in the Japanese, with an allele frequency of 0.0008 (in the jMorp database [PMID: 33179747]). To our knowledge, no occurrence of c.7615G>A in individuals affected with PLEC-Related Disorders and no experimental evidence demonstrating its impact on protein function have been reported. No submitters have cited clinical-significance assessments for this variant to ClinVar. Based on the evidence outlined above, the variant was classified as uncertain significance.

Blueprint Genetics
Classification: Uncertain significance. Last evaluated: 2024-09-10. Review status: criteria provided, single submitter. Criteria: ACMG Guidelines, 2015. Collection method: clinical testing. Allele origin: germline.